The following is an entry in ClinVar:

NM_033380.3(COL4A5):c.1722dup (p.Pro575fs)

Gene: COL4A5 (collagen type IV alpha 5 chain; plus strand). Cytogenetic location: Xq22.3.
Variant type: Duplication.
Coding change: c.1722dup on transcript NM_033380.3 (MANE Select); coding-DNA position 1722, one base duplicated (A; older notation c.1722dupA).
Protein change: p.Pro575fs; shifts the reading frame from proline 575.
Molecular consequence: frameshift variant.
Genome position (GRCh38, 1-based): chrX:108,597,511, A duplicated. VCF-style (leftmost placement, unchanged base first): chrX-108597510-T-TA. GRCh37 (hg19) VCF-style: chrX-107840740-T-TA.
Other names: c.1722dup, p.Pro575fs (NM_000495.5); short protein forms P575fs.
Identifiers: ClinVar variation 2749550 (VCV002749550.3), dbSNP rs2524308731, ClinGen allele CA2697544714.
Genomic context (GRCh38, chrX:108,597,510, plus strand): 5'-CAGGAATGAAGGGTGACAAAGGAGAGTTGGGTTCCCCTGGAGCTCCAGGGCTTCCTGGTT[T>TA]ACCTGGCACTCCTGGACAGGATGGATTGCCAGGGCTTCCTGGCCCGAAAGGAGAGCCTGT-3'

ClinVar aggregate classification (germline): Pathogenic (1 of 4 stars; one submission).

Submission:

Labcorp Genetics (formerly Invitae), Labcorp
Classification: Pathogenic. Last evaluated: 2023-09-11. Review status: criteria provided, single submitter. Criteria: Invitae Variant Classification Sherloc (09022015). Collection method: clinical testing. Allele origin: germline.
Comment: For these reasons, this variant has been classified as Pathogenic. This variant has not been reported in the literature in individuals affected with COL4A5-related conditions. This variant is not present in population databases (gnomAD no frequency). This sequence change creates a premature translational stop signal (p.Pro575Thrfs*25) in the COL4A5 gene. It is expected to result in an absent or disrupted protein product. Loss-of-function variants in COL4A5 are known to be pathogenic (PMID: 9195222, 10752524, 14514738, 24854265, 26809805).

Literature cited by the submitters: PubMed 9195222; PubMed 10752524; PubMed 14514738; PubMed 24854265; PubMed 26809805.